The following is an entry in ClinVar:

ClinVar aggregate classification (germline): Uncertain significance (1 of 4 stars; one submission).

Conditions:
Hereditary cancer-predisposing syndrome. Also called: Hereditary Cancer Syndrome; Tumor predisposition; Hereditary neoplastic syndrome; Neoplastic Syndromes, Hereditary. Identifiers: Orphanet 140162, MedGen C0027672, MeSH D009386, MONDO:0015356.

gnomAD v4.1: 1 of 1,612,240 alleles (0.000062%); highest among the groups gnomAD compares: Non-Finnish European, 0.000085%; no homozygotes.

Submission:

Ambry Genetics
Classification: Uncertain significance for Hereditary cancer-predisposing syndrome. Last evaluated: 2024-06-07. Review status: criteria provided, single submitter. Criteria: Ambry Variant Classification Scheme 2023. Collection method: clinical testing. Allele origin: germline.
Comment: The c.-4A>G variant is located in the 5' untranslated region (5&rsquo; UTR) of the CDKN1B gene. This variant results from an A to G substitution 4 bases upstream from the first translated codon. This nucleotide position is poorly conserved in available vertebrate species. Based on the available evidence, the clinical significance of this variant remains unclear.

NM_004064.5(CDKN1B):c.-4A>G

Gene: CDKN1B (cyclin dependent kinase inhibitor 1B; plus strand). Cytogenetic location: 12p13.1.
Variant type: single nucleotide variant.
Coding change: c.-4A>G on transcript NM_004064.5 (MANE Select); 4 bases upstream of the start codon, A replaced by G.
Molecular consequence: 5 prime UTR variant.
Genome position (GRCh38, 1-based): chr12:12,717,836, A>G. VCF-style: chr12-12717836-A-G. GRCh37 (hg19) VCF-style: chr12-12870770-A-G.
Identifiers: ClinVar variation 3265561 (VCV003265561.1).
Genomic context (GRCh38, chr12:12,717,836, plus strand): 5'-TGTTTTGTTCGGTTTTGTTTTTTTGAGAGTGCGAGAGAGGCGGTCGTGCAGACCCGGGAG[A>G]AAGATGTCAAACGTGCGAGTGTCTAACGGGAGCCCTAGCCTGGAGCGGATGGACGCCAGG-3'